The following is an entry in ClinVar:

ClinVar aggregate classification (germline): Pathogenic. Review status: criteria provided, multiple submitters, no conflicts (2 of 4 stars). 3 submissions from 3 submitters: Pathogenic (3). Last evaluated 2026-07-01.

Conditions:
Amyotrophic lateral sclerosis, susceptibility to, 24. Identifiers: MedGen C4693523, MONDO:0054750, OMIM 617892.
Short-rib thoracic dysplasia 6 with or without polydactyly (SRTD6). Also called: POLYDACTYLY WITH NEONATAL CHONDRODYSTROPHY, TYPE II; Majewski Syndrome; SHORT RIB-POLYDACTYLY SYNDROME, TYPE IIA; SHORT-RIB THORACIC DYSPLASIA 6 WITH POLYDACTYLY; SHORT-RIB THORACIC DYSPLASIA 6 WITHOUT POLYDACTYLY. Identifiers: MedGen C0024507, MONDO:0009894, OMIM 263520.

gnomAD v4.1: 7 of 1,613,264 alleles (0.00043%); highest among the groups gnomAD compares: Non-Finnish European, 0.00059%; no homozygotes.

Submissions (4):

CeGaT Center for Human Genetics Tuebingen
Classification: Pathogenic. Last evaluated: 2026-07-01. Review status: criteria provided, single submitter. Criteria: CeGaT Center For Human Genetics Tuebingen Variant Classification Criteria Version 2. Collection method: clinical testing. Allele origin: germline. Affected: yes. Observed: 1 variant allele.
Comment: NEK1: PVS1, PM2

Labcorp Genetics (formerly Invitae), Labcorp
Classification: Pathogenic for Short-rib thoracic dysplasia 6 with or without polydactyly. Last evaluated: 2025-02-26. Review status: criteria provided, single submitter. Criteria: Invitae Variant Classification Sherloc (09022015). Collection method: clinical testing. Allele origin: germline.
Comment: This sequence change creates a premature translational stop signal (p.Arg91*) in the NEK1 gene. It is expected to result in an absent or disrupted protein product. Loss-of-function variants in NEK1 are known to be pathogenic (PMID: 22499340, 29068549). This variant is not present in population databases (gnomAD no frequency). This variant has not been reported in the literature in individuals affected with NEK1-related conditions. Algorithms developed to predict the effect of sequence changes on RNA splicing suggest that this variant may disrupt the consensus splice site. For these reasons, this variant has been classified as Pathogenic.

Juno Genomics, Hangzhou Juno Genomics, Inc
Classification: Pathogenic for Amyotrophic lateral sclerosis, susceptibility to, 24; Short-rib thoracic dysplasia 6 with or without polydactyly. Review status: criteria provided, single submitter. Criteria: ACMG Guidelines, 2015. Collection method: clinical testing. Allele origin: germline. Affected: yes.
Comment: Absent from controls (or at extremely low frequency if recessive) in Genome Aggregation Database.;Null variant in a gene where loss of function (LOF) is a known mechanism of disease.;Patient's phenotype or family history is highly specific for a disease with a single genetic etiology.

Dr. Peter K. Rogan Lab, Western University
No classification provided (evidence only). Condition: Glioma susceptibility 1. Review status: no classification provided. Collection method: in vitro. Allele origin: not applicable. Functional consequence: skipped exon. Not counted in ClinVar's aggregate classification.

Literature cited by the submitters: PubMed 22499340 (cited by Labcorp Genetics (formerly Invitae), Labcorp); PubMed 29068549 (cited by Labcorp Genetics (formerly Invitae), Labcorp).

NM_001199397.3(NEK1):c.271C>T (p.Arg91Ter)

Gene: NEK1 (NIMA related kinase 1; minus strand). Cytogenetic location: 4q33.
Variant type: single nucleotide variant.
Coding change: c.271C>T on transcript NM_001199397.3 (MANE Select); coding-DNA position 271, C replaced by T.
Protein change: p.Arg91Ter; replaces arginine 91 with a stop codon.
Molecular consequence: nonsense. On other transcripts: intron variant (2).
Genome position (GRCh38, 1-based): chr4:169,599,141, G>A on the plus strand (C>T on the coding strand, the complement: NEK1 is on the minus strand). VCF-style: chr4-169599141-G-A. GRCh37 (hg19) VCF-style: chr4-170520292-G-A.
Other names: NC_000004.11:g.170520292G>A; c.271C>T, p.Arg91Ter (NM_001199398.3, NM_001440622.1, NM_001440623.1 and 11 more transcripts); c.-310+2867C>T (NM_001440625.1, NM_001440624.1); short protein forms R91*.
Identifiers: ClinVar variation 4303797 (VCV004303797.4).